The following is an entry in ClinVar:

NM_001003694.2(BRPF1):c.1217dup (p.Tyr406Ter)

Gene: BRPF1 (bromodomain and PHD finger containing 1; plus strand). Cytogenetic location: 3p25.3.
Variant type: Duplication.
Coding change: c.1217dup on transcript NM_001003694.2 (MANE Select); coding-DNA position 1217, one base duplicated (A; older notation c.1217dupA).
Protein change: p.Tyr406Ter; replaces tyrosine 406 with a stop codon.
Molecular consequence: nonsense. On other transcripts: frameshift variant (1), non-coding transcript variant (1).
Genome position (GRCh38, 1-based): chr3:9,739,616, A duplicated. VCF-style (leftmost placement, unchanged base first): chr3-9739615-T-TA. GRCh37 (hg19) VCF-style: chr3-9781299-T-TA.
Other names: c.1217dup, p.Tyr406Ter (NM_001319049.2, NM_001319050.2, NM_004634.3); c.1217dup, p.Tyr406Terfs (NM_001410704.1); short protein forms Y406*.
Identifiers: ClinVar variation 1805707 (VCV001805707.2), dbSNP rs759029777, ClinGen allele CA2241824.
Genomic context (GRCh38, chr3:9,739,615, plus strand): 5'-TGCTACATTTGCAAACAACGGGGCTCAGGGGCCTGCATCCAGTGCCACAAGGCCAACTGT[T>TA]ACACAGCTTTCCATGTGACATGCGCCCAGCAGGCTGGCCTTTACATGAAGATGGAGCCTG-3'

ClinVar aggregate classification (germline): Pathogenic/Likely pathogenic. Review status: criteria provided, multiple submitters, no conflicts (2 of 4 stars). 2 submissions from 2 submitters: Pathogenic (1); Likely pathogenic (1). Last evaluated 2022-03-03.

Conditions:
Intellectual developmental disorder with dysmorphic facies and ptosis (IDDDFP). Identifiers: Orphanet 698090, MedGen C4310617, MONDO:0015022, OMIM 617333.
BRPF1-related disorder. Also called: BRPF1-related condition.

Allele frequency attached by ClinVar (database versions not stated): ExAC 0.00001.

Submissions (2):

Blueprint Genetics
Classification: Likely pathogenic for BRPF1-related disorders. Last evaluated: 2022-03-03. Review status: criteria provided, single submitter. Criteria: ACMG Guidelines, 2015. Collection method: clinical testing. Allele origin: germline. Affected: yes. Observed: 1 variant allele.

Victorian Clinical Genetics Services, Murdoch Childrens Research Institute
Classification: Pathogenic for Intellectual developmental disorder with dysmorphic facies and ptosis. Last evaluated: 2019-08-28. Review status: criteria provided, single submitter. Criteria: ACMG Guidelines, 2015. Collection method: clinical testing. Allele origin: germline. Inheritance: Autosomal dominant inheritance.
Comment: A heterozygous nonsense variant was identified, NM_001003694.1(BRPF1):c.1217dup in exon 3 of 14 of the BRPF1 gene. This nonsense variant is predicted to create a change of tyrosine to a stop at amino acid position 406 of the protein, NP_001003694.1(BRPF1):p.(Tyr406*), resulting in the loss of normal protein function through nonsense-mediated decay (NMD). The variant is present in the gnomAD population database at a frequency of 0.0004% (1 heterozygote, 0 homozygotes). The variant has not been previously reported in clinical cases, however a different nucleotide change resulting in a stop at the same codon has been reported as Pathogenic in ClinVar. Other variants predicted to cause NMD have been reported as pathogenic in individuals with Intellectual developmental disorder with dysmorphic facies and ptosis (ClinVar). Based on information available at the time of curation, this variant has been classified as PATHOGENIC.